The following is an entry in ClinVar:

NM_016341.4(PLCE1):c.5612A>G (p.Tyr1871Cys)

Gene: PLCE1 (phospholipase C epsilon 1; plus strand). Cytogenetic location: 10q23.33.
Variant type: single nucleotide variant.
Coding change: c.5612A>G on transcript NM_016341.4 (MANE Select); coding-DNA position 5612, A replaced by G.
Protein change: p.Tyr1871Cys; replaces tyrosine 1871 with cysteine.
Molecular consequence: missense variant.
Genome position (GRCh38, 1-based): chr10:94,304,635, A>G. VCF-style: chr10-94304635-A-G. GRCh37 (hg19) VCF-style: chr10-96064392-A-G.
Other names: c.4688A>G, p.Tyr1563Cys (NM_001165979.2); c.5564A>G, p.Tyr1855Cys (NM_001288989.2); c.5612A>G (NM_016341.3); short protein forms Y1563C, Y1855C, Y1871C.
Identifiers: ClinVar variation 1404309 (VCV001404309.8), dbSNP rs762506926, ClinGen allele CA5613386.

ClinVar aggregate classification (germline): Uncertain significance. Review status: criteria provided, multiple submitters, no conflicts (2 of 4 stars). 3 submissions from 3 submitters: Uncertain significance (3). Last evaluated 2024-05-06.

Conditions:
Nephrotic syndrome, type 3 (NPHS3). Also called: NEPHROTIC SYNDROME, EARLY-ONSET, TYPE 3. Identifiers: Orphanet 656, MedGen C1853124, MONDO:0012546, OMIM 610725.
Inborn genetic diseases. Identifiers: MedGen C0950123, MeSH D030342.

Allele frequency attached by ClinVar (database versions not stated): ExAC 0.00002; TOPMed 0.00002; gnomAD 0.00003; gnomAD exomes 0.00003 and 0.00009.
gnomAD v4.1: 135 of 1,613,910 alleles (0.0084%); highest among the groups gnomAD compares: Non-Finnish European, 0.011%; no homozygotes.

Submissions (3):

Fulgent Genetics
Classification: Uncertain significance for Nephrotic syndrome, type 3. Last evaluated: 2024-05-06. Review status: criteria provided, single submitter. Criteria: ACMG Guidelines, 2015. Collection method: clinical testing. Allele origin: germline.

Ambry Genetics
Classification: Uncertain significance for Inborn genetic diseases. Last evaluated: 2021-10-26. Review status: criteria provided, single submitter. Criteria: Ambry Variant Classification Scheme 2023. Collection method: clinical testing. Allele origin: germline.

Labcorp Genetics (formerly Invitae), Labcorp
Classification: Uncertain significance. Last evaluated: 2021-08-14. Review status: criteria provided, single submitter. Criteria: Invitae Variant Classification Sherloc (09022015). Collection method: clinical testing. Allele origin: germline.
Comment: This sequence change replaces tyrosine with cysteine at codon 1871 of the PLCE1 protein (p.Tyr1871Cys). The tyrosine residue is highly conserved and there is a large physicochemical difference between tyrosine and cysteine. This variant is present in population databases (rs762506926, ExAC 0.004%). This variant has not been reported in the literature in individuals affected with PLCE1-related conditions. Algorithms developed to predict the effect of missense changes on protein structure and function (SIFT, PolyPhen-2, Align-GVGD) all suggest that this variant is likely to be disruptive. In summary, the available evidence is currently insufficient to determine the role of this variant in disease. Therefore, it has been classified as a Variant of Uncertain Significance.